The following is an entry in ClinVar:

NM_005228.5(EGFR):c.3498C>A (p.Ser1166Arg)

Gene: EGFR (epidermal growth factor receptor; plus strand). Cytogenetic location: 7p11.2.
Variant type: single nucleotide variant.
Coding change: c.3498C>A on transcript NM_005228.5 (MANE Select); coding-DNA position 3498, C replaced by A.
Protein change: p.Ser1166Arg; replaces serine 1166 with arginine.
Molecular consequence: missense variant.
Genome position (GRCh38, 1-based): chr7:55,205,482, C>A. VCF-style: chr7-55205482-C-A. GRCh37 (hg19) VCF-style: chr7-55273175-C-A.
Other names: c.3363C>A, p.Ser1121Arg (NM_001346899.2); c.3339C>A, p.Ser1113Arg (NM_001346900.2); c.2697C>A, p.Ser899Arg (NM_001346941.2); c.3498C>A (NM_005228.3); short protein forms S1166R, S1121R, S899R, S1113R.
Identifiers: ClinVar variation 1350072 (VCV001350072.9), dbSNP rs2128975475, ClinGen allele CA367584755.

ClinVar aggregate classification (germline): Uncertain significance. Review status: criteria provided, multiple submitters, no conflicts (2 of 4 stars). 2 submissions from 2 submitters: Uncertain significance (2). Last evaluated 2026-03-13.

Conditions:
EGFR-related lung cancer (EGFR). Identifiers: MedGen CN130014.
Hereditary cancer-predisposing syndrome. Also called: Hereditary neoplastic syndrome; Tumor predisposition; Neoplastic Syndromes, Hereditary; Hereditary Cancer Syndrome. Identifiers: Orphanet 140162, MedGen C0027672, MeSH D009386, MONDO:0015356.

Submissions (2):

Ambry Genetics
Classification: Uncertain significance for Hereditary cancer-predisposing syndrome. Last evaluated: 2026-03-13. Review status: criteria provided, single submitter. Criteria: Ambry Variant Classification Scheme 2023. Collection method: clinical testing. Allele origin: germline.
Comment: The p.S1166R variant (also known as c.3498C>A), located in coding exon 28 of the EGFR gene, results from a C to A substitution at nucleotide position 3498. The serine at codon 1166 is replaced by arginine, an amino acid with dissimilar properties. This amino acid position is conserved. In addition, this alteration is predicted to be tolerated by in silico analysis. Based on the available evidence, the clinical significance of this variant remains unclear.

Labcorp Genetics (formerly Invitae), Labcorp
Classification: Uncertain significance for EGFR-related lung cancer. Last evaluated: 2022-12-09. Review status: criteria provided, single submitter. Criteria: Invitae Variant Classification Sherloc (09022015). Collection method: clinical testing. Allele origin: germline.
Comment: In summary, the available evidence is currently insufficient to determine the role of this variant in disease. Therefore, it has been classified as a Variant of Uncertain Significance. Algorithms developed to predict the effect of missense changes on protein structure and function (SIFT, PolyPhen-2, Align-GVGD) all suggest that this variant is likely to be tolerated. ClinVar contains an entry for this variant (Variation ID: 1350072). This variant has not been reported in the literature in individuals affected with EGFR-related conditions. This variant is not present in population databases (gnomAD no frequency). This sequence change replaces serine, which is neutral and polar, with arginine, which is basic and polar, at codon 1166 of the EGFR protein (p.Ser1166Arg).